The following is an entry in ClinVar:

ClinVar aggregate classification (germline): Uncertain significance (1 of 4 stars; one submission).

Allele frequency attached by ClinVar (database versions not stated): gnomAD exomes below 0.00001; ExAC 0.00001; gnomAD 0.00003; TOPMed 0.00004.
gnomAD v4.1: 10 of 1,614,022 alleles (0.00062%); highest among the groups gnomAD compares: African/African-American, 0.011%; no homozygotes.

Submission:

Labcorp Genetics (formerly Invitae), Labcorp
Classification: Uncertain significance. Last evaluated: 2022-06-13. Review status: criteria provided, single submitter. Criteria: Invitae Variant Classification Sherloc (09022015). Collection method: clinical testing. Allele origin: germline.
Comment: In summary, the available evidence is currently insufficient to determine the role of this variant in disease. Therefore, it has been classified as a Variant of Uncertain Significance. Algorithms developed to predict the effect of missense changes on protein structure and function (SIFT, PolyPhen-2, Align-GVGD) all suggest that this variant is likely to be tolerated. This variant has not been reported in the literature in individuals affected with CTDP1-related conditions. This variant is present in population databases (rs772232405, gnomAD 0.007%). This sequence change replaces glutamine, which is neutral and polar, with arginine, which is basic and polar, at codon 812 of the CTDP1 protein (p.Gln812Arg).

NM_004715.5(CTDP1):c.2435A>G (p.Gln812Arg)

Gene: CTDP1 (CTD phosphatase subunit 1; plus strand). Cytogenetic location: 18q23.
Variant type: single nucleotide variant.
Coding change: c.2435A>G on transcript NM_004715.5 (MANE Select); coding-DNA position 2435, A replaced by G.
Protein change: p.Gln812Arg; replaces glutamine 812 with arginine.
Molecular consequence: missense variant. On other transcripts: intron variant (1).
Genome position (GRCh38, 1-based): chr18:79,728,924, A>G. VCF-style: chr18-79728924-A-G. GRCh37 (hg19) VCF-style: chr18-77488924-A-G.
Other names: c.2078A>G, p.Gln693Arg (NM_001202504.1); c.2435A>G, p.Gln812Arg (NM_001318511.2); c.2418-7431A>G (NM_048368.4); short protein forms Q693R, Q812R.
Identifiers: ClinVar variation 1919293 (VCV001919293.4), dbSNP rs772232405, ClinGen allele CA9010612.